The following is an entry in ClinVar:

NM_001145809.2(MYH14):c.4439G>A (p.Arg1480His)

Gene: MYH14 (myosin heavy chain 14; plus strand). Cytogenetic location: 19q13.33.
Variant type: single nucleotide variant.
Coding change: c.4439G>A on transcript NM_001145809.2 (MANE Select); coding-DNA position 4439, G replaced by A.
Protein change: p.Arg1480His; replaces arginine 1480 with histidine.
Molecular consequence: missense variant.
Genome position (GRCh38, 1-based): chr19:50,281,742, G>A. VCF-style: chr19-50281742-G-A. GRCh37 (hg19) VCF-style: chr19-50784999-G-A.
Other names: c.4316G>A (NM_024729.3); c.4340G>A, p.Arg1447His (NM_001077186.2); c.4316G>A, p.Arg1439His (NM_024729.4); short protein forms R1480H, R1447H, R1439H.
Identifiers: ClinVar variation 164193 (VCV000164193.8), dbSNP rs187782753, ClinGen allele CA176910.

ClinVar aggregate classification (germline): Uncertain significance. Review status: criteria provided, multiple submitters, no conflicts (2 of 4 stars). 4 submissions from 4 submitters: Uncertain significance (4). Last evaluated 2024-12-27.

Conditions:
Inborn genetic diseases. Identifiers: MedGen C0950123, MeSH D030342.
Autosomal dominant nonsyndromic hearing loss 4A. Also called: Deafness, autosomal dominant 4A. Identifiers: Orphanet 90635, MedGen C1833503, MONDO:0010915, OMIM 600652.
Peripheral neuropathy-myopathy-hoarseness-hearing loss syndrome. Identifiers: Orphanet 397744, MedGen C3280556, MONDO:0013711, OMIM 614369.

Allele frequency attached by ClinVar (database versions not stated): ExAC 0.00001; gnomAD exomes 0.00001; gnomAD 0.00004 and 0.00006; TOPMed 0.00005; 1000 Genomes Project 30x 0.00016; 1000 Genomes Project 0.00020.
gnomAD v4.1: 32 of 1,611,678 alleles (0.002%); highest among the groups gnomAD compares: Middle Eastern, 0.05%; no homozygotes.

Submissions (4):

GeneDx
Classification: Uncertain significance. Last evaluated: 2024-12-27. Review status: criteria provided, single submitter. Criteria: GeneDx Variant Classification Process June 2021. Collection method: clinical testing. Allele origin: germline. Affected: yes.
Comment: In silico analysis supports that this missense variant has a deleterious effect on protein structure/function; Has not been previously published as pathogenic or benign to our knowledge

Ambry Genetics
Classification: Uncertain significance for Inborn genetic diseases. Last evaluated: 2023-08-14. Review status: criteria provided, single submitter. Criteria: Ambry Variant Classification Scheme 2023. Collection method: clinical testing. Allele origin: germline.

Department of Pathology and Laboratory Medicine, Sinai Health System
Classification: Uncertain significance for Autosomal dominant nonsyndromic hearing loss 4A; Peripheral neuropathy-myopathy-hoarseness-hearing loss syndrome. Last evaluated: 2021-09-16. Review status: criteria provided, single submitter. Criteria: ACMG Guidelines, 2015. Collection method: research. Allele origin: germline.

Laboratory for Molecular Medicine, Mass General Brigham Personalized Medicine
Classification: Uncertain significance. Last evaluated: 2015-06-16. Review status: criteria provided, single submitter. Criteria: LMM Criteria. Collection method: clinical testing. Allele origin: germline. Observed: 2 variant alleles.
Comment: This variant has bee n identified in 1/58024 European chromosomes by the Exome Aggregation Consortium (ExAC; dbSNP rs187782753). Although this varian t has been seen in the general population, its frequency is not high enough to r ule out a pathogenic role. Computational prediction tools and conservation analy ses do not provide strong support for or against an impact to the protein. In su mmary, the clinical significance of the p.Arg1480His variant is uncertain.